The following is an entry in ClinVar:

NM_004341.5(CAD):c.736C>T (p.Arg246Ter)

Gene: CAD (carbamoyl-phosphate synthetase 2, aspartate transcarbamylase, and dihydroorotase; plus strand). Cytogenetic location: 2p23.3.
Variant type: single nucleotide variant.
Coding change: c.736C>T on transcript NM_004341.5 (MANE Select); coding-DNA position 736, C replaced by T.
Protein change: p.Arg246Ter; replaces arginine 246 with a stop codon.
Molecular consequence: nonsense.
Genome position (GRCh38, 1-based): chr2:27,222,964, C>T. VCF-style: chr2-27222964-C-T. GRCh37 (hg19) VCF-style: chr2-27445832-C-T.
Other names: c.736C>T, p.Arg246Ter (NM_001306079.2); short protein forms R246*.
Identifiers: ClinVar variation 1908255 (VCV001908255.5), dbSNP rs772034961, ClinGen allele CA1572506.
Genomic context (GRCh38, chr2:27,222,964, plus strand): 5'-CCTGCCTCCTATCCCAGTGTCGTATCCACACTGAGCCGTGTTTTATCTGAGCCTAATCCC[C>T]GACCTGTCTTTGGGATCTGCCTGGGACACCAGCTATTGGCCTTAGCCATTGGGGCCAAGA-3'

ClinVar aggregate classification (germline): Pathogenic (1 of 4 stars; one submission).

Allele frequency attached by ClinVar (database versions not stated): gnomAD exomes below 0.00001; ExAC 0.00001.
gnomAD v4.1: 2 of 1,614,152 alleles (0.00012%); highest among the groups gnomAD compares: Non-Finnish European, 0.000085%; no homozygotes.

Submission:

Labcorp Genetics (formerly Invitae), Labcorp
Classification: Pathogenic. Last evaluated: 2024-02-23. Review status: criteria provided, single submitter. Criteria: Invitae Variant Classification Sherloc (09022015). Collection method: clinical testing. Allele origin: germline.
Comment: This sequence change creates a premature translational stop signal (p.Arg246*) in the CAD gene. It is expected to result in an absent or disrupted protein product. Loss-of-function variants in CAD are known to be pathogenic (PMID: 28007989, 32117025, 32820246, 33497533). This variant is present in population databases (rs772034961, gnomAD no frequency). This variant has not been reported in the literature in individuals affected with CAD-related conditions. ClinVar contains an entry for this variant (Variation ID: 1908255). Algorithms developed to predict the effect of sequence changes on RNA splicing suggest that this variant may disrupt the consensus splice site. For these reasons, this variant has been classified as Pathogenic.

Literature cited by the submitters: PubMed 28007989; PubMed 32117025; PubMed 32820246; PubMed 33497533.